The following is an entry in ClinVar:

ClinVar aggregate classification (germline): Uncertain significance (1 of 4 stars; one submission).

Conditions:
Inborn genetic diseases. Identifiers: MedGen C0950123, MeSH D030342.

Allele frequency attached by ClinVar (database versions not stated): ExAC 0.00001.
gnomAD v4.1: 5 of 1,614,118 alleles (0.00031%); highest among the groups gnomAD compares: Admixed American, 0.0067%; no homozygotes.

Submission:

Ambry Genetics
Classification: Uncertain significance for Hereditary disease. Last evaluated: 2017-07-05. Review status: criteria provided, single submitter. Criteria: ambry_reporting_categories_2017. Collection method: clinical testing. Allele origin: germline. Affected: yes. Observed: 1 heterozygote. Segregation with disease observed.
Comment: Lines of evidence used in support of classification: UNCERTAIN: Alteration(s) of Uncertain Clinical Significance Detected

Literature cited by the submitters: PubMed 25849321; PubMed 22302795; PubMed 24348274; PubMed 26116663; PubMed 20693977; PubMed 27479907; PubMed 27418512; PubMed 27616479; PubMed 28135719.

NM_001273.5(CHD4):c.4960C>A (p.Pro1654Thr)

Genes: CHD4 (chromodomain helicase DNA binding protein 4; minus strand), CHD4-AS1 (CHD4 antisense RNA 1; plus strand). Cytogenetic location: 12p13.31.
Variant type: single nucleotide variant.
Coding change: c.4960C>A on transcript NM_001273.5 (MANE Select); coding-DNA position 4960, C replaced by A.
Protein change: p.Pro1654Thr; replaces proline 1654 with threonine.
Molecular consequence: missense variant.
Genome position (GRCh38, 1-based): chr12:6,578,867, G>T on the plus strand (C>A on the coding strand, the complement: CHD4 is on the minus strand). VCF-style: chr12-6578867-G-T. GRCh37 (hg19) VCF-style: chr12-6688033-G-T.
Other names: c.4939C>A, p.Pro1647Thr (NM_001297553.2); c.4927C>A, p.Pro1643Thr (NM_001363606.2); short protein forms P1654T, P1643T, P1647T.
Identifiers: ClinVar variation 521918 (VCV000521918.3), dbSNP rs754279009, ClinGen allele CA6411361.
Genomic context (GRCh38, chr12:6,578,867, plus strand): 5'-AGTTCTTCTGAACCACAATCAACTTCTCCAAACACCCACCTTTGTCTTCTACCACAATAG[G>T]GGTCAGATCTATTGCTGACTTTTCCTCCACCTTCTCTACATCAGCAGCACCTAGGGGAAG-3'
Protein context (NP_001264.2, residues 1644-1664): VEEKSAIDLT[Pro1654Thr]IVVEDKEEKK